The following is an entry in ClinVar:

ClinVar aggregate classification (germline): Uncertain significance. Review status: criteria provided, multiple submitters, no conflicts (2 of 4 stars). 2 submissions from 2 submitters: Uncertain significance (2). Last evaluated 2024-04-26.

Conditions:
Myofibrillar myopathy 5. Also called: Filaminopathy (type); FILAMINOPATHY, AUTOSOMAL DOMINANT. Identifiers: Orphanet 171445, MedGen C1836050, MONDO:0012289, OMIM 609524.
Distal myopathy with posterior leg and anterior hand involvement. Also called: WILLIAMS DISTAL MYOPATHY. Identifiers: Orphanet 63273, MedGen C3279722, MONDO:0013550, OMIM 614065.
Hypertrophic cardiomyopathy 26. Also called: Cardiomyopathy, familial hypertrophic, 26. Identifiers: Orphanet 75249, MedGen C4310749, MONDO:0014883, OMIM 617047.

gnomAD v4.1: 2 of 1,613,160 alleles (0.00012%); highest among the groups gnomAD compares: Non-Finnish European, 0.00017%; no homozygotes.

Submissions (2):

Labcorp Genetics (formerly Invitae), Labcorp
Classification: Uncertain significance for Distal myopathy with posterior leg and anterior hand involvement; Myofibrillar myopathy 5; Hypertrophic cardiomyopathy 26. Last evaluated: 2024-04-26. Review status: criteria provided, single submitter. Criteria: Invitae Variant Classification Sherloc (09022015). Collection method: clinical testing. Allele origin: germline.
Comment: This sequence change replaces arginine, which is basic and polar, with leucine, which is neutral and non-polar, at codon 2187 of the FLNC protein (p.Arg2187Leu). This variant is not present in population databases (gnomAD no frequency). This variant has not been reported in the literature in individuals affected with FLNC-related conditions. ClinVar contains an entry for this variant (Variation ID: 2441508). An algorithm developed to predict the effect of missense changes on protein structure and function (PolyPhen-2) suggests that this variant is likely to be tolerated. In summary, the available evidence is currently insufficient to determine the role of this variant in disease. Therefore, it has been classified as a Variant of Uncertain Significance.

Revvity Omics, Revvity
Classification: Uncertain significance. Last evaluated: 2019-06-26. Review status: criteria provided, single submitter. Criteria: ACMG Guidelines, 2015. Collection method: clinical testing. Allele origin: germline.

NM_001458.5(FLNC):c.6560G>T (p.Arg2187Leu)

Genes: FLNC-AS1 (FLNC antisense RNA 1; minus strand), FLNC (filamin C; plus strand). Cytogenetic location: 7q32.1.
Variant type: single nucleotide variant.
Coding change: c.6560G>T on transcript NM_001458.5 (MANE Select); coding-DNA position 6560, G replaced by T.
Protein change: p.Arg2187Leu; replaces arginine 2187 with leucine.
Molecular consequence: missense variant.
Genome position (GRCh38, 1-based): chr7:128,854,049, G>T. VCF-style: chr7-128854049-G-T. GRCh37 (hg19) VCF-style: chr7-128494103-G-T.
Other names: c.6461G>T, p.Arg2154Leu (NM_001127487.2); short protein forms R2154L, R2187L.
Identifiers: ClinVar variation 2441508 (VCV002441508.5), dbSNP rs1808941275, ClinGen allele CA369212823.